The following is an entry in ClinVar:

ClinVar aggregate classification (germline): Uncertain significance. Review status: criteria provided, multiple submitters, no conflicts (2 of 4 stars). 2 submissions from 2 submitters: Uncertain significance (2). Last evaluated 2025-04-07.

Conditions:
Gorlin syndrome. Also called: Basal cell nevus syndrome; Nevoid Basal Cell Carcinoma Syndrome. Identifiers: Orphanet 377, MedGen C0004779, MONDO:0007187.
Medulloblastoma (MDB). Also called: MEDULLOBLASTOMA PREDISPOSITION SYNDROME; Medulloblastoma, somatic. Identifiers: Orphanet 616, MedGen C0025149, MeSH D008527, MONDO:0007959, OMIM 155255, HP:0002885.
Hereditary cancer-predisposing syndrome. Also called: Tumor predisposition; Neoplastic Syndromes, Hereditary; Hereditary Cancer Syndrome; Hereditary neoplastic syndrome. Identifiers: Orphanet 140162, MedGen C0027672, MeSH D009386, MONDO:0015356.

Submissions (2):

Ambry Genetics
Classification: Uncertain significance for Hereditary cancer-predisposing syndrome. Last evaluated: 2025-04-07. Review status: criteria provided, single submitter. Criteria: Ambry Variant Classification Scheme 2023. Collection method: clinical testing. Allele origin: germline.
Comment: The p.I259L variant (also known as c.775A>C), located in coding exon 7 of the SUFU gene, results from an A to C substitution at nucleotide position 775. The isoleucine at codon 259 is replaced by leucine, an amino acid with highly similar properties. This amino acid position is conserved. In addition, the in silico prediction for this alteration is inconclusive. Based on the available evidence, the clinical significance of this variant remains unclear.

Labcorp Genetics (formerly Invitae), Labcorp
Classification: Uncertain significance for Gorlin syndrome; Medulloblastoma. Last evaluated: 2025-02-12. Review status: criteria provided, single submitter. Criteria: Invitae Variant Classification Sherloc (09022015). Collection method: clinical testing. Allele origin: germline.
Comment: This sequence change replaces isoleucine, which is neutral and non-polar, with leucine, which is neutral and non-polar, at codon 259 of the SUFU protein (p.Ile259Leu). This variant is not present in population databases (gnomAD no frequency). This variant has not been reported in the literature in individuals affected with SUFU-related conditions. Invitae Evidence Modeling of protein sequence and biophysical properties (such as structural, functional, and spatial information, amino acid conservation, physicochemical variation, residue mobility, and thermodynamic stability) indicates that this missense variant is not expected to disrupt SUFU protein function with a negative predictive value of 80%. In summary, the available evidence is currently insufficient to determine the role of this variant in disease. Therefore, it has been classified as a Variant of Uncertain Significance.

NM_016169.4(SUFU):c.775A>C (p.Ile259Leu)

Gene: SUFU (SUFU negative regulator of hedgehog signaling; plus strand). Cytogenetic location: 10q24.32.
Variant type: single nucleotide variant.
Coding change: c.775A>C on transcript NM_016169.4 (MANE Select); coding-DNA position 775, A replaced by C.
Protein change: p.Ile259Leu; replaces isoleucine 259 with leucine.
Molecular consequence: missense variant.
Genome position (GRCh38, 1-based): chr10:102,597,158, A>C. VCF-style: chr10-102597158-A-C. GRCh37 (hg19) VCF-style: chr10-104356915-A-C.
Other names: c.775A>C, p.Ile259Leu (NM_001178133.2); short protein forms I259L.
Identifiers: ClinVar variation 3963862 (VCV003963862.2).